The following is an entry in ClinVar:

ClinVar aggregate classification (germline): Uncertain significance (1 of 4 stars; one submission).

gnomAD v4.1: 2 of 1,612,190 alleles (0.00012%); highest among the groups gnomAD compares: Non-Finnish European, 0.000085%; no homozygotes.

Submission:

Labcorp Genetics (formerly Invitae), Labcorp
Classification: Uncertain significance. Last evaluated: 2024-11-27. Review status: criteria provided, single submitter. Criteria: Invitae Variant Classification Sherloc (09022015). Collection method: clinical testing. Allele origin: germline.
Comment: This sequence change replaces proline, which is neutral and non-polar, with threonine, which is neutral and polar, at codon 1493 of the COL11A1 protein (p.Pro1493Thr). This variant is not present in population databases (gnomAD no frequency). This variant has not been reported in the literature in individuals affected with COL11A1-related conditions. Invitae Evidence Modeling of protein sequence and biophysical properties (such as structural, functional, and spatial information, amino acid conservation, physicochemical variation, residue mobility, and thermodynamic stability) indicates that this missense variant is not expected to disrupt COL11A1 protein function with a negative predictive value of 80%. In summary, the available evidence is currently insufficient to determine the role of this variant in disease. Therefore, it has been classified as a Variant of Uncertain Significance.

NM_001854.4(COL11A1):c.4477C>A (p.Pro1493Thr)

Gene: COL11A1 (collagen type XI alpha 1 chain; minus strand). Cytogenetic location: 1p21.1.
Variant type: single nucleotide variant.
Coding change: c.4477C>A on transcript NM_001854.4 (MANE Select); coding-DNA position 4477, C replaced by A.
Protein change: p.Pro1493Thr; replaces proline 1493 with threonine.
Molecular consequence: missense variant. On other transcripts: non-coding transcript variant (1).
Genome position (GRCh38, 1-based): chr1:102,888,907, G>T on the plus strand (C>A on the coding strand, the complement: COL11A1 is on the minus strand). VCF-style: chr1-102888907-G-T. GRCh37 (hg19) VCF-style: chr1-103354463-G-T.
Other names: c.4360C>A, p.Pro1454Thr (NM_001190709.2); c.4513C>A, p.Pro1505Thr (NM_080629.3); c.4129C>A, p.Pro1377Thr (NM_080630.4); short protein forms P1493T, P1505T, P1454T, P1377T.
Identifiers: ClinVar variation 3670320 (VCV003670320.2).
Genomic context (GRCh38, chr1:102,888,907, plus strand): 5'-TATTTTGTCTTGTACTTACTGGTAAACCTGGAGGACCAGGTGGACCTAAGGGACCAGCAG[G>T]ACCAGGAATTCCCTAGAGAGAGAATCAGCCAATTTAAAGGGATTTTCTCAGCTATTTCAT-3'
Protein context (NP_001845.3, residues 1483-1503): GAKGDGGIPG[Pro1493Thr]AGPLGPPGPP